The following is an entry in ClinVar:

ClinVar aggregate classification (germline): Uncertain significance. Review status: criteria provided, multiple submitters, no conflicts (2 of 4 stars). 10 submissions from 10 submitters: Uncertain significance (7). 3 of the submissions do not count toward it. Last evaluated 2025-12-16.

Conditions:
Breast and/or ovarian cancer. Identifiers: MedGen CN221562.
Hereditary cancer-predisposing syndrome. Also called: Tumor predisposition; Hereditary Cancer Syndrome; Hereditary neoplastic syndrome; Neoplastic Syndromes, Hereditary. Identifiers: Orphanet 140162, MedGen C0027672, MeSH D009386, MONDO:0015356.
CHEK2-related cancer predisposition (TPDS4). Also called: TUMOR PREDISPOSITION SYNDROME 4; CANCER PREDISPOSITION SYNDROME, CHEK2-RELATED; CHEK2-related cancer susceptibility. Identifiers: Orphanet 524, MedGen C5882668, MONDO:0700271, OMIM 609265.
Familial cancer of breast. Also called: BREAST CANCER, FAMILIAL; Hereditary breast cancer; hereditary breast carcinoma. Identifiers: Orphanet 227535, MedGen C0346153, MONDO:0016419, OMIM 114480. Disease mechanism: loss of function.

Allele frequency attached by ClinVar (database versions not stated): TOPMed below 0.00001; gnomAD 0.00001.

Submissions (10):

Labcorp Genetics (formerly Invitae), Labcorp
Classification: Uncertain significance for Familial cancer of breast. Last evaluated: 2025-12-16. Review status: criteria provided, single submitter. Criteria: Invitae Variant Classification Sherloc (09022015). Collection method: clinical testing. Allele origin: germline.
Comment: This sequence change replaces threonine, which is neutral and polar, with isoleucine, which is neutral and non-polar, at codon 168 of the CHEK2 protein (p.Thr168Ile). This variant is not present in population databases (gnomAD no frequency). This missense change has been observed in individual(s) with breast and ovarian cancer or male breast cancer (PMID: 31050813, 31409080, 35264596). ClinVar contains an entry for this variant (Variation ID: 182427). An algorithm developed to predict the effect of missense changes on protein structure and function (PolyPhen-2) suggests that this variant is likely to be disruptive. Experimental studies are conflicting or provide insufficient evidence to determine the effect of this variant on CHEK2 function (PMID: 31050813, 31409080, 37449874). In summary, the available evidence is currently insufficient to determine the role of this variant in disease. Therefore, it has been classified as a Variant of Uncertain Significance.

Ambry Genetics
Classification: Uncertain significance for Hereditary cancer-predisposing syndrome. Last evaluated: 2025-12-10. Review status: criteria provided, single submitter. Criteria: Ambry Variant Classification Scheme 2023. Collection method: clinical testing. Allele origin: germline.
Comment: The p.T168I variant (also known as c.503C>T), located in coding exon 3 of the CHEK2 gene, results from a C to T substitution at nucleotide position 503. The threonine at codon 168 is replaced by isoleucine, an amino acid with similar properties. This variant was functional in an in vitro kinase assay but non-functional in a human cell-based kinase assay also measuring KAP1 phosphorylation (Kleiblov&aacute; P et al. Klin Onkol, 2019;32:36-50). This alteration was detected in a cohort of 1663 Brazilian breast cancer patients who underwent hereditary multigene panel testing (Guindalini RSC et al. Sci Rep, 2022 Mar;12:4190). This amino acid position is highly conserved in available vertebrate species. In addition, this alteration is predicted to be deleterious by in silico analysis. Since supporting evidence is limited at this time, the clinical significance of this alteration remains unclear.

Baylor Genetics
Classification: Uncertain significance for Familial cancer of breast. Last evaluated: 2023-10-15. Review status: criteria provided, single submitter. Criteria: ACMG Guidelines, 2015. Collection method: clinical testing. Allele origin: unknown.

Color Diagnostics, LLC DBA Color Health
Classification: Uncertain significance for Hereditary cancer-predisposing syndrome. Last evaluated: 2023-10-02. Review status: criteria provided, single submitter. Criteria: ACMG Guidelines, 2015. Collection method: clinical testing. Allele origin: germline.
Comment: This missense variant replaces threonine with isoleucine at codon 168 of the CHEK2 protein. Computational prediction suggests that this variant may have deleterious impact on protein structure and function (internally defined REVEL score threshold >= 0.7, PMID: 27666373). Functional studies report conflicting results regarding the impact of this variant on CHEK2 phosphorylation activity (PMID: 31050813, 37449874). This variant has been reported in individuals affected with breast cancer (PMID: 31050813, 37449874) and in an unaffected individual (PMID: 33471991; Leiden Open Variation Database DB-ID CHEK2_000524). This variant has not been identified in the general population by the Genome Aggregation Database (gnomAD). The available evidence is insufficient to determine the role of this variant in disease conclusively. Therefore, this variant is classified as a Variant of Uncertain Significance.

GeneDx
Classification: Uncertain significance. Last evaluated: 2023-06-26. Review status: criteria provided, single submitter. Criteria: GeneDx Variant Classification Process June 2021. Collection method: clinical testing. Allele origin: germline. Affected: yes.
Comment: Not observed at significant frequency in large population cohorts (gnomAD); In silico analysis supports that this missense variant has a deleterious effect on protein structure/function; Observed in individuals with breast (male or female) and/or ovarian cancer, including one patient who also harbored a pathogenic variant in BRCA2 (Kleiblova et al., 2019; Guindalini et al., 2022); Published functional studies suggest a damaging effect: impaired kinase activity (Kleiblova et al., 2019); This variant is associated with the following publications: (PMID: 22419737, 19782031, 31409080, 31050813, 35264596)

Myriad Genetics, Inc.
Classification: Uncertain significance for Familial cancer of breast. Last evaluated: 2023-03-08. Review status: criteria provided, single submitter. Criteria: Myriad Autosomal Dominant, Autosomal Recessive and X-Linked Classification Criteria (2023). Collection method: clinical testing. Allele origin: unknown.
Comment: This variant is classified as a variant of uncertain significance as there is insufficient evidence to determine its impact on protein function and/or cancer risk.

Mendelics
Classification: Uncertain significance for Familial cancer of breast. Last evaluated: 2018-07-02. Review status: criteria provided, single submitter. Criteria: Mendelics Assertion Criteria 2017. Collection method: clinical testing. Allele origin: unknown.

Department of Genetics, HCU Lozano Blesa
Classification: Likely pathogenic for CHEK2-related cancer predisposition. Last evaluated: 2023-05-01. Review status: no assertion criteria provided. Collection method: clinical testing. Allele origin: germline. Affected: yes. Observed: 2 variant alleles. Not counted in ClinVar's aggregate classification.
Comment: Variant summary: CHEK2 c.503C>T results in the replacement of Thr168 by an Ile residue (p.Thr168Ile). The variant was identified in 1 out of 396 patients analysed (freq: 0.0025, doi: 10.3389/fgene.2023.1274108). A second sister that has not developed BC does carry the mutation. These facts prevents clearly establishing the Thr168Ile variant as a predisposition factor for BC from this study. Moreover, Thr168 appears well conserved in vertebrate species, and the replacement of a threonine by an isoleucine represents the introduction of a bulkier residue. Thr168 is located in the FHA domain, its side chain appears buried forming an apparently stabilizing local H-bond network with Asp162, Ser164, and His143, and is far from any other domain or the dimeric surface. Our in-silico study on the protein stability based on relaxation molecular dynamics simulations (doi: 10.3389/fgene.2023.1274108) indicates that Thr168Ile reduces the conformational stability of CHEK2 protein. The variant does not appear reported in gnomAD v4. Other replacements at the same position (T168N, T168P, and T168A) appear classified in ClinVar as of Uncertain Significance. However, functional studies (PMID: 31050813, 31409080) have reported impaired kinase activity for CHEK2. The metapredictor PirePred (relies on verdicts from other 15 predictor or metapredictor tools) classifies Thr168Ile as Pathogenic, whereas the AI-based predictor AlphaMissense and the ACMG classification tool Franklin suggests this variant as Likely Pathogenic. All this information, even if not conclusive, appears to indicate this variant have more chances of being Pathogenic.

CZECANCA consortium
Classification: Likely pathogenic for Breast and/or ovarian cancer. Last evaluated: 2019-06-11. Review status: no assertion criteria provided. Collection method: clinical testing. Allele origin: germline. Affected: yes. Observed: 1 variant allele. Not counted in ClinVar's aggregate classification.

Counsyl
Classification: Uncertain significance for Familial cancer of breast. Last evaluated: 2017-10-19. Review status: no assertion criteria provided. Collection method: clinical testing. Allele origin: unknown. Not counted in ClinVar's aggregate classification.

Literature cited by the submitters: PubMed 31050813 (cited by Labcorp Genetics (formerly Invitae), Labcorp and Color Diagnostics, LLC DBA Color Health); PubMed 31409080 (cited by Labcorp Genetics (formerly Invitae), Labcorp and Ambry Genetics); PubMed 35264596 (cited by Labcorp Genetics (formerly Invitae), Labcorp and Ambry Genetics); PubMed 37449874 (cited by Labcorp Genetics (formerly Invitae), Labcorp and Color Diagnostics, LLC DBA Color Health); PubMed 33471991 (cited by Color Diagnostics, LLC DBA Color Health); DOI 10.3389/fgene.2023.1274108 (cited by Department of Genetics, HCU Lozano Blesa); PubMed 32295079 (cited by CZECANCA consortium).

NM_007194.4(CHEK2):c.503C>T (p.Thr168Ile)

Gene: CHEK2 (checkpoint kinase 2; minus strand). Cytogenetic location: 22q12.1.
Variant type: single nucleotide variant.
Coding change: c.503C>T on transcript NM_007194.4 (MANE Select); coding-DNA position 503, C replaced by T.
Protein change: p.Thr168Ile; replaces threonine 168 with isoleucine.
Molecular consequence: missense variant. On other transcripts: 5 prime UTR variant (2), intron variant (1).
Genome position (GRCh38, 1-based): chr22:28,725,066, G>A on the plus strand (C>T on the coding strand, the complement: CHEK2 is on the minus strand). VCF-style: chr22-28725066-G-A. GRCh37 (hg19) VCF-style: chr22-29121054-G-A.
Other names: p.T168I:ACC>ATC; c.632C>T, p.Thr211Ile (NM_001005735.3, NM_001438294.1); c.-275C>T (NM_001257387.3); c.-161C>T (NM_001437942.1); c.596C>T, p.Thr199Ile (NM_001438293.1, NM_001438295.1); c.503C>T, p.Thr168Ile (NM_145862.3); c.445-143C>T (NM_001349956.3); short protein forms T168I, T211I, T199I.
Identifiers: ClinVar variation 182427 (VCV000182427.25), dbSNP rs730881684, ClinGen allele CA299067.